The following is an entry in ClinVar:

NM_001009944.3(PKD1):c.4963G>T (p.Val1655Leu)

Gene: PKD1 (polycystin 1, transient receptor potential channel interacting; minus strand). Cytogenetic location: 16p13.3.
Variant type: single nucleotide variant.
Coding change: c.4963G>T on transcript NM_001009944.3 (MANE Select); coding-DNA position 4963, G replaced by T.
Protein change: p.Val1655Leu; replaces valine 1655 with leucine.
Molecular consequence: missense variant.
Genome position (GRCh38, 1-based): chr16:2,110,204, C>A on the plus strand (G>T on the coding strand, the complement: PKD1 is on the minus strand). VCF-style: chr16-2110204-C-A. GRCh37 (hg19) VCF-style: chr16-2160205-C-A.
Other names: c.4963G>T, p.Val1655Leu (NM_000296.4); short protein forms V1655L.
Identifiers: ClinVar variation 2302227 (VCV002302227.23), dbSNP rs149671582, ClinGen allele CA7832176.

ClinVar aggregate classification (germline): Conflicting classifications of pathogenicity. Review status: criteria provided, conflicting classifications (1 of 4 stars). 5 submissions from 5 submitters: Uncertain significance (1); Benign (1); Likely benign (2). 1 of the submissions does not count toward it. Last evaluated 2025-01-07.

Conditions:
Inborn genetic diseases. Identifiers: MedGen C0950123, MeSH D030342.
PKD1-related disorder. Also called: PKD1-related condition.

Allele frequency attached by ClinVar (database versions not stated): ESP Exome Variant Server 0.00100; 1000 Genomes Project 30x 0.00172; 1000 Genomes Project 0.00180.
gnomAD v4.1: 329 of 1,611,710 alleles (0.02%); highest among the groups gnomAD compares: African/African-American, 0.35%; 1 homozygote.

Submissions (5):

Athena Diagnostics
Classification: Benign. Last evaluated: 2025-01-07. Review status: criteria provided, single submitter. Criteria: Athena Diagnostics Criteria. Collection method: clinical testing. Allele origin: unknown.
Comment: The frequency of this variant in the general population is higher than would generally be expected for pathogenic variants in this gene. Computational tools predict this amino acid change may be benign. The variant is located in a region that is not considered important for protein function and/or structure.

CeGaT Center for Human Genetics Tuebingen
Classification: Likely benign. Last evaluated: 2024-05-01. Review status: criteria provided, single submitter. Criteria: CeGaT Center For Human Genetics Tuebingen Variant Classification Criteria Version 2. Collection method: clinical testing. Allele origin: germline. Affected: yes. Observed: 1 variant allele.
Comment: PKD1: BP4, BS2

Blueprint Genetics
Classification: Likely benign. Last evaluated: 2023-09-14. Review status: criteria provided, single submitter. Criteria: ACMG Guidelines, 2015. Collection method: clinical testing. Allele origin: germline.

Ambry Genetics
Classification: Uncertain significance for Inborn genetic diseases. Last evaluated: 2021-09-21. Review status: criteria provided, single submitter. Criteria: Ambry Variant Classification Scheme 2023. Collection method: clinical testing. Allele origin: germline.

PreventionGenetics, part of Exact Sciences
Classification: Likely benign for PKD1-related condition. Last evaluated: 2021-05-07. Review status: no assertion criteria provided. Collection method: clinical testing. Allele origin: germline. Not counted in ClinVar's aggregate classification.
Comment: This variant is classified as likely benign based on ACMG/AMP sequence variant interpretation guidelines (Richards et al. 2015 PMID: 25741868, with internal and published modifications).

Literature cited by the submitters: PubMed 21179087 (cited by Athena Diagnostics); PubMed 27499327 (cited by Athena Diagnostics).